The following is an entry in ClinVar:

ClinVar aggregate classification (germline): Uncertain significance (1 of 4 stars; one submission).

Conditions:
Hereditary sensory neuropathy-deafness-dementia syndrome. Also called: Hereditary sensory neuropathy type IE; HSN IE; NEUROPATHY, HEREDITARY SENSORY, WITH HEARING LOSS AND DEMENTIA; Hereditary Sensory and Autonomic Neuropathy Type 1E (HSAN1E). Identifiers: Orphanet 456318, MedGen C3279885, MONDO:0013584, OMIM 614116.

Allele frequency attached by ClinVar (database versions not stated): gnomAD exomes below 0.00001; TOPMed 0.00001; gnomAD 0.00002.
gnomAD v4.1: 6 of 1,614,086 alleles (0.00037%); highest among the groups gnomAD compares: Admixed American, 0.005%; no homozygotes.

Submission:

Labcorp Genetics (formerly Invitae), Labcorp
Classification: Uncertain significance for Hereditary sensory neuropathy-deafness-dementia syndrome. Last evaluated: 2024-02-17. Review status: criteria provided, single submitter. Criteria: Invitae Variant Classification Sherloc (09022015). Collection method: clinical testing. Allele origin: germline.
Comment: This sequence change replaces arginine, which is basic and polar, with histidine, which is basic and polar, at codon 560 of the DNMT1 protein (p.Arg560His). This variant is not present in population databases (gnomAD no frequency). This variant has not been reported in the literature in individuals affected with DNMT1-related conditions. Advanced modeling of protein sequence and biophysical properties (such as structural, functional, and spatial information, amino acid conservation, physicochemical variation, residue mobility, and thermodynamic stability) performed at Invitae indicates that this missense variant is not expected to disrupt DNMT1 protein function with a negative predictive value of 80%. In summary, the available evidence is currently insufficient to determine the role of this variant in disease. Therefore, it has been classified as a Variant of Uncertain Significance.

NM_001130823.3(DNMT1):c.1679G>A (p.Arg560His)

Gene: DNMT1 (DNA methyltransferase 1; minus strand). Cytogenetic location: 19p13.2.
Variant type: single nucleotide variant.
Coding change: c.1679G>A on transcript NM_001130823.3 (MANE Select); coding-DNA position 1679, G replaced by A.
Protein change: p.Arg560His; replaces arginine 560 with histidine.
Molecular consequence: missense variant.
Genome position (GRCh38, 1-based): chr19:10,154,739, C>T on the plus strand (G>A on the coding strand, the complement: DNMT1 is on the minus strand). VCF-style: chr19-10154739-C-T. GRCh37 (hg19) VCF-style: chr19-10265415-C-T.
Other names: c.1631G>A, p.Arg544His (NM_001318730.2, NM_001379.4); c.1316G>A, p.Arg439His (NM_001318731.2); short protein forms R439H, R544H, R560H.
Identifiers: ClinVar variation 2987019 (VCV002987019.3), dbSNP rs1568234601, ClinGen allele CA403935258.